The following is an entry in ClinVar:

ClinVar aggregate classification (germline): Uncertain significance (1 of 4 stars; one submission).

Conditions:
Charcot-Marie-Tooth disease, type I (CMT1). Also called: Charcot-Marie-Tooth, Type 1; Charcot-Marie-Tooth disease type 1. Identifiers: Orphanet 65753, MedGen C0751036, MONDO:0019011.

Submission:

Labcorp Genetics (formerly Invitae), Labcorp
Classification: Uncertain significance for Charcot-Marie-Tooth disease, type I. Last evaluated: 2022-04-20. Review status: criteria provided, single submitter. Criteria: Invitae Variant Classification Sherloc (09022015). Collection method: clinical testing. Allele origin: germline.
Comment: In summary, the available evidence is currently insufficient to determine the role of this variant in disease. Therefore, it has been classified as a Variant of Uncertain Significance. Experimental studies and prediction algorithms are not available or were not evaluated, and the functional significance of this variant is currently unknown. This variant has not been reported in the literature in individuals affected with EGR2-related conditions. This variant is not present in population databases (gnomAD no frequency). This sequence change replaces serine, which is neutral and polar, with phenylalanine, which is neutral and non-polar, at codon 439 of the EGR2 protein (p.Ser439Phe).

NM_000399.5(EGR2):c.1316C>T (p.Ser439Phe)

Gene: EGR2 (early growth response 2; minus strand). Cytogenetic location: 10q21.3.
Variant type: single nucleotide variant.
Coding change: c.1316C>T on transcript NM_000399.5 (MANE Select); coding-DNA position 1316, C replaced by T.
Protein change: p.Ser439Phe; replaces serine 439 with phenylalanine.
Molecular consequence: missense variant.
Genome position (GRCh38, 1-based): chr10:62,813,322, G>A on the plus strand (C>T on the coding strand, the complement: EGR2 is on the minus strand). VCF-style: chr10-62813322-G-A. GRCh37 (hg19) VCF-style: chr10-64573082-G-A.
Other names: c.1316C>T, p.Ser439Phe (NM_001136177.3, NM_001136178.2); c.1166C>T, p.Ser389Phe (NM_001136179.3, NM_001321037.2); c.1355C>T, p.Ser452Phe (NM_001410931.1); short protein forms S439F, S389F, S452F.
Identifiers: ClinVar variation 2128347 (VCV002128347.4), dbSNP rs1842160008, ClinGen allele CA377027116.